The following is an entry in ClinVar:

ClinVar aggregate classification (germline): Uncertain significance (1 of 4 stars; one submission).

Conditions:
Myopathy, centronuclear, 2 (CNM2). Also called: MYOTUBULAR MYOPATHY, AUTOSOMAL RECESSIVE. Identifiers: Orphanet 169186, MedGen CN031787, MONDO:0009709, OMIM 255200.

Submission:

Labcorp Genetics (formerly Invitae), Labcorp
Classification: Uncertain significance for Myopathy, centronuclear, 2. Last evaluated: 2018-01-24. Review status: criteria provided, single submitter. Criteria: Invitae Variant Classification Sherloc (09022015). Collection method: clinical testing. Allele origin: germline.
Comment: This variant is a gross duplication of the genomic region encompassing exons 2-9 of the BIN1 gene. While the exact position of the duplicated exons cannot be determined from this data, sub-genic duplications are generally in tandem (PMID: 25640679). This duplication would be expected to be in-frame, preserving the integrity of the reading frame. This variant has not been reported in the literature in individuals with BIN1-related disease. In summary, the available evidence is currently insufficient to determine the role of this variant in disease. Therefore, it has been classified as a Variant of Uncertain Significance. Experimental studies and prediction algorithms are not available for this variant, and the functional significance of the duplicated exons is currently unknown.

Literature cited by the submitters: PubMed 25640679.

NC_000002.11:g.(?_127821127)_(127834302_?)dup

Genes: BIN1 (bridging integrator 1; minus strand), LOC112806045 (P300/CBP strongly-dependent group 1 enhancer GRCh37_chr2:127822028-127823227; plus strand). Cytogenetic location: 2q14.3.
Variant type: Duplication.
Identifiers: ClinVar variation 530874 (VCV000530874.3).